The following is an entry in ClinVar:

ClinVar aggregate classification (germline): Uncertain significance (1 of 4 stars; one submission).

Conditions:
Primary familial hypertrophic cardiomyopathy (HCM). Identifiers: Orphanet 99739, MedGen C0949658, MeSH D024741, MONDO:0024573. Inheritance: Various modes of inheritance.
Dilated cardiomyopathy 1AA (CMD1AA). Also called: Cardiomyopathy, dilated, 1AA, with or without LVNC; CARDIOMYOPATHY, FAMILIAL HYPERTROPHIC, 23, WITH OR WITHOUT LEFT VENTRICULAR NONCOMPACTION; CARDIOMYOPATHY, DILATED, 1AA, WITH OR WITHOUT LEFT VENTRICULAR NONCOMPACTION. Identifiers: Orphanet 154, MedGen C2677338, MONDO:0012808, OMIM 612158.

Submission:

Labcorp Genetics (formerly Invitae), Labcorp
Classification: Uncertain significance for Primary familial hypertrophic cardiomyopathy; Dilated cardiomyopathy 1AA. Last evaluated: 2020-11-27. Review status: criteria provided, single submitter. Criteria: Invitae Variant Classification Sherloc (09022015). Collection method: clinical testing. Allele origin: germline.
Comment: In summary, the available evidence is currently insufficient to determine the role of this variant in disease. Therefore, it has been classified as a Variant of Uncertain Significance. Advanced modeling of protein sequence and biophysical properties (such as structural, functional, and spatial information, amino acid conservation, physicochemical variation, residue mobility, and thermodynamic stability) performed at Invitae indicates that this missense variant is not expected to disrupt ACTN2 protein function. This variant has not been reported in the literature in individuals with ACTN2-related conditions. This variant is not present in population databases (ExAC no frequency). This sequence change replaces aspartic acid with histidine at codon 88 of the ACTN2 protein (p.Asp88His). The aspartic acid residue is highly conserved and there is a moderate physicochemical difference between aspartic acid and histidine.

NM_001103.4(ACTN2):c.262G>C (p.Asp88His)

Gene: ACTN2 (actinin alpha 2; plus strand). Cytogenetic location: 1q43.
Variant type: single nucleotide variant.
Coding change: c.262G>C on transcript NM_001103.4 (MANE Select); coding-DNA position 262, G replaced by C.
Protein change: p.Asp88His; replaces aspartic acid 88 with histidine.
Molecular consequence: missense variant. On other transcripts: 5 prime UTR variant (1).
Genome position (GRCh38, 1-based): chr1:236,718,914, G>C. VCF-style: chr1-236718914-G-C. GRCh37 (hg19) VCF-style: chr1-236882214-G-C.
Other names: c.262G>C, p.Asp88His (NM_001278343.2); c.-560G>C (NM_001278344.2); short protein forms D88H.
Identifiers: ClinVar variation 1488106 (VCV001488106.8), dbSNP rs2102894794, ClinGen allele CA345373488.
Genomic context (GRCh38, chr1:236,718,914, plus strand): 5'-ACTGTCTCTATGTCTGCATGATTCTCTTTTCATCCAACAGGGGAAAGGCTGCCCAAACCT[G>C]ACCGGGGAAAAATGCGGTTCCACAAAATTGCTAATGTCAACAAAGCTTTGGATTACATAG-3'
Protein context (NP_001094.1, residues 78-98): VISGERLPKP[Asp88His]RGKMRFHKIA